The following is an entry in ClinVar:

ClinVar aggregate classification (germline): Likely benign. Review status: criteria provided, multiple submitters, no conflicts (2 of 4 stars). 2 submissions from 2 submitters: Likely benign (2). Last evaluated 2022-02-10.

Conditions:
Osteogenesis imperfecta type I (OI1). Also called: OI, TYPE I; OSTEOGENESIS IMPERFECTA TARDA; OSTEOGENESIS IMPERFECTA WITH BLUE SCLERAE; Osteogenesis imperfecta type 1; Classic Non-deforming Osteogenesis Imperfecta with Blue Sclerae; Lobstein's Disease. Identifiers: Orphanet 216796, Orphanet 666, MedGen C0023931, MONDO:0008146, OMIM 166200. Disease mechanism: loss of function.
Ehlers-Danlos syndrome, classic type, 1 (EDSCL1). Also called: EDS I; EHLERS-DANLOS SYNDROME, GRAVIS TYPE; EHLERS-DANLOS SYNDROME, SEVERE CLASSIC TYPE; Ehlers-Danlos Syndrome, Classic Type, COL5A1-Related; Ehlers-Danlos syndrome, type 1. Identifiers: MedGen C0268335, MONDO:0019567, OMIM 130000.

Allele frequency attached by ClinVar (database versions not stated): gnomAD exomes below 0.00001 and 0.00001.
gnomAD v4.1: 4 of 1,613,982 alleles (0.00025%); highest among the groups gnomAD compares: Admixed American, 0.0033%; no homozygotes.

Submissions (2):

Labcorp Genetics (formerly Invitae), Labcorp
Classification: Likely benign for Osteogenesis imperfecta type I; Ehlers-Danlos syndrome, classic type, 1. Last evaluated: 2022-02-10. Review status: criteria provided, single submitter. Criteria: Invitae Variant Classification Sherloc (09022015). Collection method: clinical testing. Allele origin: germline.

GeneDx
Classification: Likely benign. Last evaluated: 2018-06-13. Review status: criteria provided, single submitter. Criteria: GeneDx Variant Classification (06012015). Collection method: clinical testing. Allele origin: germline. Affected: yes.
Comment: This variant is considered likely benign or benign based on one or more of the following criteria: it is a conservative change, it occurs at a poorly conserved position in the protein, it is predicted to be benign by multiple in silico algorithms, and/or has population frequency not consistent with disease.

NM_000089.4(COL1A2):c.720G>A (p.Val240=)

Gene: COL1A2 (collagen type I alpha 2 chain; plus strand). Cytogenetic location: 7q21.3.
Variant type: single nucleotide variant.
Coding change: c.720G>A on transcript NM_000089.4 (MANE Select); coding-DNA position 720, G replaced by A.
Protein change: p.Val240=; no amino-acid change (valine 240 retained).
Molecular consequence: synonymous variant.
Genome position (GRCh38, 1-based): chr7:94,408,362, G>A. VCF-style: chr7-94408362-G-A. GRCh37 (hg19) VCF-style: chr7-94037674-G-A.
Identifiers: ClinVar variation 671428 (VCV000671428.11), dbSNP rs1419697305, ClinGen allele CA456488174.